The following is an entry in ClinVar:

ClinVar aggregate classification (germline): Uncertain significance (1 of 4 stars; one submission).

Conditions:
DVL1-related disorder. Also called: DVL1-related condition.

Allele frequency attached by ClinVar (database versions not stated): gnomAD exomes below 0.00001.

Submission:

PreventionGenetics, part of Exact Sciences
Classification: Uncertain significance for DVL1-related condition. Last evaluated: 2026-02-10. Review status: criteria provided, single submitter. Criteria: ACMG Guidelines, 2015. Collection method: clinical testing. Allele origin: germline.
Comment: The DVL1 c.606-9delT variant is predicted to result in an intronic deletion. This variant is predicted to alter splicing based on available splicing prediction programs (SpliceAI, Jaganathan et al. 2019. PubMed ID: 30661751); however, the use of computer prediction programs is not equivalent to functional evidence. To our knowledge, this variant has not been reported in the literature. This variant is reported in 0.0011% of alleles in individuals of European (non-Finnish) descent in gnomAD. At this time, the clinical significance of this variant is uncertain due to the absence of conclusive functional and genetic evidence.

NM_001330311.2(DVL1):c.606-9del

Gene: DVL1 (dishevelled segment polarity protein 1; minus strand). Cytogenetic location: 1p36.33.
Variant type: Deletion.
Coding change: c.606-9del on transcript NM_001330311.2 (MANE Select); 9 bases into the intron before coding-DNA position 606, one base deleted (T; older notation c.606-9delT).
Molecular consequence: intron variant.
Genome position (GRCh38, 1-based): chr1:1,340,512, A deleted on the plus strand (T on the coding strand, the reverse complement: DVL1 is on the minus strand). VCF-style (leftmost placement, unchanged base first): chr1-1340511-CA-C. GRCh37 (hg19) VCF-style: chr1-1275891-CA-C.
Other names: c.606-9del (NM_004421.3).
Identifiers: ClinVar variation 2632725 (VCV002632725.2), dbSNP rs1557668257, ClinGen allele CA520607282.